The following is an entry in ClinVar:

NM_015662.3(IFT172):c.1167+10A>G

Gene: IFT172 (intraflagellar transport 172; minus strand). Cytogenetic location: 2p23.3.
Variant type: single nucleotide variant.
Coding change: c.1167+10A>G on transcript NM_015662.3 (MANE Select); 10 bases into the intron after coding-DNA position 1167, A replaced by G.
Molecular consequence: intron variant.
Genome position (GRCh38, 1-based): chr2:27,477,985, T>C on the plus strand (A>G on the coding strand, the complement: IFT172 is on the minus strand). VCF-style: chr2-27477985-T-C. GRCh37 (hg19) VCF-style: chr2-27700852-T-C.
Other names: c.1167+10A>G (NM_001410739.1).
Identifiers: ClinVar variation 3356877 (VCV003356877.1).
Genomic context (GRCh38, chr2:27,477,985, plus strand): 5'-ATTTTGGGTCCCCACAAATATTAAGCCAAGATGCCCTATTCCCCACCCTACCCTCAATTT[T>C]GGTTCCTACCTCACTAAGCCGATTAGTGTTCAGGTCCCCCAGCAGCAGTGTTTCTGATGT-3'

ClinVar aggregate classification (germline): Likely benign (0 of 4 stars; one submission).

Conditions:
IFT172-related disorder. Also called: IFT172-related disorders; IFT172-related condition.

gnomAD v4.1: 8 of 1,614,012 alleles (0.0005%); highest among the groups gnomAD compares: Non-Finnish European, 0.00068%; no homozygotes.

Submission:

PreventionGenetics, part of Exact Sciences
Classification: Likely benign for IFT172-related condition. Last evaluated: 2024-08-08. Review status: no assertion criteria provided. Collection method: clinical testing. Allele origin: germline.
Comment: This variant is classified as likely benign based on ACMG/AMP sequence variant interpretation guidelines (Richards et al. 2015 PMID: 25741868, with internal and published modifications).